The following is an entry in ClinVar:

NM_020320.5(RARS2):c.1372del (p.Asp458fs)

Gene: RARS2 (arginyl-tRNA synthetase 2, mitochondrial; minus strand). Cytogenetic location: 6q15.
Variant type: Deletion.
Coding change: c.1372del on transcript NM_020320.5 (MANE Select); coding-DNA position 1372, one base deleted (G; older notation c.1372delG).
Protein change: p.Asp458fs; shifts the reading frame from aspartic acid 458.
Molecular consequence: frameshift variant. On other transcripts: non-coding transcript variant (23).
Genome position (GRCh38, 1-based): chr6:87,518,673, C deleted on the plus strand (G on the coding strand, the reverse complement: RARS2 is on the minus strand); the first of 4 consecutive C bases (chr6:87,518,673-87,518,676); deleting any one gives the same sequence. VCF-style (leftmost placement, unchanged base first): chr6-87518672-TC-T. GRCh37 (hg19) VCF-style: chr6-88228390-TC-T.
Other names: c.847del, p.Asp283fs (NM_001318785.2, NM_001350506.2, NM_001350507.2 and 4 more transcripts); c.1372del, p.Asp458fs (NM_001350505.2); short protein forms D283fs, D458fs.
Identifiers: ClinVar variation 4816049 (VCV004816049.1).

ClinVar aggregate classification (germline): Likely pathogenic (1 of 4 stars; one submission).

Conditions:
Pontocerebellar hypoplasia type 6 (PCH6). Identifiers: Orphanet 166073, MedGen C1969084, MONDO:0012683, OMIM 611523.

Submission:

Natera, Inc.
Classification: Likely pathogenic for Pontocerebellar hypoplasia, type 6. Last evaluated: 2024-04-23. Review status: criteria provided, single submitter. Criteria: Natera Variant Classification Schema (03/2026). Collection method: clinical testing. Allele origin: germline.
Comment: The c.1372delG variant in RARS2 is a frameshift variant predicted to shift the reading frame beginning at codon 458 and leads to a stop codon 25 codons downstream. This variant is expected to result in nonsense mediated decay, truncation, or a dysfunctional protein product. This variant is rare in the general population with a frequency below the threshold expected for the associated phenotype(s). Given the available evidence, this variant is classified as Likely Pathogenic.